The following is an entry in ClinVar:

ClinVar aggregate classification (germline): Benign/Likely benign. Review status: criteria provided, multiple submitters, no conflicts (2 of 4 stars). 8 submissions from 8 submitters: Benign (1); Likely benign (7). Last evaluated 2026-01-19.

Conditions:
STK11-related disorder. Also called: STK11-related condition.
Peutz-Jeghers syndrome (PJS). Also called: POLYPOSIS, HAMARTOMATOUS INTESTINAL; POLYPS-AND-SPOTS SYNDROME; Peutz-Jeghers polyposis; Periorificial lentiginosis syndrome. Identifiers: Orphanet 2869, MedGen C0031269, MeSH D010580, MONDO:0008280, OMIM 175200.
Hereditary cancer-predisposing syndrome. Also called: Hereditary neoplastic syndrome; Hereditary Cancer Syndrome; Neoplastic Syndromes, Hereditary; Tumor predisposition. Identifiers: Orphanet 140162, MedGen C0027672, MeSH D009386, MONDO:0015356.

Allele frequency attached by ClinVar (database versions not stated): TOPMed below 0.00001.

Submissions (8):

Labcorp Genetics (formerly Invitae), Labcorp
Classification: Likely benign for Peutz-Jeghers syndrome. Last evaluated: 2026-01-19. Review status: criteria provided, single submitter. Criteria: Invitae Variant Classification Sherloc (09022015). Collection method: clinical testing. Allele origin: germline.

PreventionGenetics, part of Exact Sciences
Classification: Likely benign for STK11-related condition. Last evaluated: 2025-04-23. Review status: criteria provided, single submitter. Criteria: ACMG Guidelines, 2015. Collection method: clinical testing. Allele origin: germline.
Comment: This variant is classified as likely benign based on ACMG/AMP sequence variant interpretation guidelines (Richards et al. 2015 PMID: 25741868, with internal and published modifications).

Myriad Genetics, Inc.
Classification: Benign for Peutz-Jeghers syndrome. Last evaluated: 2025-03-31. Review status: criteria provided, single submitter. Criteria: Myriad Autosomal Dominant, Autosomal Recessive and X-Linked Classification Criteria (2023). Collection method: clinical testing. Allele origin: unknown.
Comment: This variant is considered benign. This variant is a silent/synonymous amino acid change and it is not expected to impact splicing.

All of Us Research Program, National Institutes of Health
Classification: Likely benign for Peutz-Jeghers syndrome. Last evaluated: 2023-11-02. Review status: criteria provided, single submitter. Criteria: ACMG Guidelines, 2015. Collection method: clinical testing. Allele origin: germline. Inheritance: Autosomal dominant inheritance. Observed: 4 variant alleles, 4 heterozygotes.
Comment: This study involves interpretation of variants in research participants for the purpose of population health screening. Participant phenotype was not available at the time of variant classification. Additional details can be found in publication PMID: 35346344, PMCID: PMC8962531

Blueprint Genetics
Classification: Likely benign. Last evaluated: 2023-04-13. Review status: criteria provided, single submitter. Criteria: ACMG Guidelines, 2015. Collection method: clinical testing. Allele origin: germline.

Color Diagnostics, LLC DBA Color Health
Classification: Likely benign for Hereditary cancer-predisposing syndrome. Last evaluated: 2020-12-02. Review status: criteria provided, single submitter. Criteria: ACMG Guidelines, 2015. Collection method: clinical testing. Allele origin: germline.

GeneDx
Classification: Likely benign. Last evaluated: 2020-10-13. Review status: criteria provided, single submitter. Criteria: GeneDx Variant Classification Process June 2021. Collection method: clinical testing. Allele origin: germline. Affected: yes.
Comment: Not observed in large population cohorts (Lek et al., 2016); In silico analysis supports that this variant does not alter splicing; Has not been previously published as pathogenic or benign to our knowledge

Ambry Genetics
Classification: Likely benign for Hereditary cancer-predisposing syndrome. Last evaluated: 2018-09-07. Review status: criteria provided, single submitter. Criteria: Ambry Variant Classification Scheme 2023. Collection method: clinical testing. Allele origin: germline.

NM_000455.5(STK11):c.1279C>T (p.Leu427=)

Gene: STK11 (serine/threonine kinase 11; plus strand). Cytogenetic location: 19p13.3.
Variant type: single nucleotide variant.
Coding change: c.1279C>T on transcript NM_000455.5 (MANE Select); coding-DNA position 1279, C replaced by T.
Protein change: p.Leu427=; no amino-acid change (leucine 427 retained).
Molecular consequence: synonymous variant.
Genome position (GRCh38, 1-based): chr19:1,226,624, C>T. VCF-style: chr19-1226624-C-T. GRCh37 (hg19) VCF-style: chr19-1226623-C-T.
Identifiers: ClinVar variation 527844 (VCV000527844.23), dbSNP rs1222940657, ClinGen allele CA504708556.